The following is an entry in ClinVar:

ClinVar aggregate classification (germline): Pathogenic. Review status: criteria provided, multiple submitters, no conflicts (2 of 4 stars). 4 submissions from 4 submitters: Pathogenic (4). Last evaluated 2024-05-02.

Conditions:
Cohen syndrome (COH1). Also called: Cutis verticis gyrata, retinitis pigmentosa, and sensorineural deafness; PEPPER SYNDROME. Identifiers: Orphanet 193, MedGen C0265223, MONDO:0008999, OMIM 216550.
Inborn genetic diseases. Identifiers: MedGen C0950123, MeSH D030342.

Submissions (4):

GeneDx
Classification: Pathogenic. Last evaluated: 2024-05-02. Review status: criteria provided, single submitter. Criteria: GeneDx Variant Classification Process June 2021. Collection method: clinical testing. Allele origin: germline. Affected: yes.
Comment: Frameshift variant predicted to result in protein truncation or nonsense mediated decay in a gene for which loss of function is a known mechanism of disease; Not observed at significant frequency in large population cohorts (gnomAD); Has not been previously published as pathogenic or benign to our knowledge

Labcorp Genetics (formerly Invitae), Labcorp
Classification: Pathogenic for Cohen syndrome. Last evaluated: 2023-05-19. Review status: criteria provided, single submitter. Criteria: Invitae Variant Classification Sherloc (09022015). Collection method: clinical testing. Allele origin: germline.
Comment: For these reasons, this variant has been classified as Pathogenic. ClinVar contains an entry for this variant (Variation ID: 985885). This variant has not been reported in the literature in individuals affected with VPS13B-related conditions. This variant is not present in population databases (gnomAD no frequency). This sequence change creates a premature translational stop signal (p.Cys3501Metfs*11) in the VPS13B gene. It is expected to result in an absent or disrupted protein product. Loss-of-function variants in VPS13B are known to be pathogenic (PMID: 15141358, 16648375, 20461111).

Laboratoire de Génétique Moléculaire, CHU Bordeaux
Classification: Pathogenic for Cohen syndrome. Last evaluated: 2021-07-21. Review status: criteria provided, single submitter. Criteria: ACMG Guidelines, 2015. Collection method: clinical testing. Allele origin: germline. Affected: yes.

Ambry Genetics
Classification: Pathogenic for Inborn genetic diseases. Last evaluated: 2018-11-23. Review status: criteria provided, single submitter. Criteria: Ambry exome assertion method (8-5-2015). Collection method: clinical testing. Allele origin: germline. Affected: yes. Observed: 1 variant allele.

Literature cited by the submitters: PubMed 15141358 (cited by Labcorp Genetics (formerly Invitae), Labcorp); PubMed 16648375 (cited by Labcorp Genetics (formerly Invitae), Labcorp); PubMed 20461111 (cited by Labcorp Genetics (formerly Invitae), Labcorp).

NM_152564.5(VPS13B):c.10425dup (p.Cys3476fs)

Gene: VPS13B (vacuolar protein sorting 13 homolog B; plus strand). Cytogenetic location: 8q22.2.
Variant type: Duplication.
Coding change: c.10425dup on transcript NM_152564.5 (MANE Select); coding-DNA position 10425, one base duplicated (A; older notation c.10425dupA).
Protein change: p.Cys3476fs; shifts the reading frame from cysteine 3476.
Molecular consequence: frameshift variant.
Genome position (GRCh38, 1-based): chr8:99,853,814, A duplicated; the last of 5 consecutive A bases (chr8:99,853,810-99,853,814); duplicating any one gives the same sequence. VCF-style (leftmost placement, unchanged base first): chr8-99853809-G-GA. GRCh37 (hg19) VCF-style: chr8-100866037-G-GA.
Other names: c.10500dup (NM_017890.4, NM_017890.3); c.10500dup, p.Cys3501fs (NM_017890.5); short protein forms C3476fs, C3501fs.
Identifiers: ClinVar variation 985885 (VCV000985885.8), dbSNP rs1816414644, ClinGen allele CA645556340.